The following is an entry in ClinVar:

NM_201384.3(PLEC):c.3533G>A (p.Arg1178Gln)

Gene: PLEC (plectin; minus strand). Cytogenetic location: 8q24.3.
Variant type: single nucleotide variant.
Coding change: c.3533G>A on transcript NM_201384.3 (MANE Select); coding-DNA position 3533, G replaced by A.
Protein change: p.Arg1178Gln; replaces arginine 1178 with glutamine.
Molecular consequence: missense variant.
Genome position (GRCh38, 1-based): chr8:143,927,633, C>T on the plus strand (G>A on the coding strand, the complement: PLEC is on the minus strand). VCF-style: chr8-143927633-C-T. GRCh37 (hg19) VCF-style: chr8-145001801-C-T.
Other names: p.Arg1205Gln; c.3614G>A, p.Arg1205Gln (NM_000445.5); c.3491G>A, p.Arg1164Gln (NM_201378.4); c.3467G>A, p.Arg1156Gln (NM_201379.3); c.3944G>A, p.Arg1315Gln (NM_201380.4); c.3437G>A, p.Arg1146Gln (NM_201381.3); c.3533G>A, p.Arg1178Gln (NM_201382.4); c.3545G>A, p.Arg1182Gln (NM_201383.3); short protein forms R1156Q, R1182Q, R1205Q, R1315Q, R1164Q, R1178Q, R1146Q.
Identifiers: ClinVar variation 290467 (VCV000290467.25), dbSNP rs782590380, ClinGen allele CA4927030.

ClinVar aggregate classification (germline): Conflicting classifications of pathogenicity. Review status: criteria provided, conflicting classifications (1 of 4 stars). 8 submissions from 8 submitters: Uncertain significance (6); Likely benign (2). Last evaluated 2025-11-01.

Conditions:
PLEC-related disorder. Also called: PLEC-related condition; PLEC-related disorders.
Epidermolysis bullosa simplex 5C, with pyloric atresia (EBS5C). Also called: PLEC-Related Epidermolysis Bullosa with Pyloric Atresia; Epidermolysis bullosa simplex with pyloric atresia; PLEC1-Related Epidermolysis Bullosa with Pyloric Atresia. Identifiers: Orphanet 158684, MedGen C2677349, MONDO:0012807, OMIM 612138.
Epidermolysis bullosa simplex with nail dystrophy (EBS5D). Identifiers: MedGen C4225309, MONDO:0014661, OMIM 616487.
Autosomal recessive limb-girdle muscular dystrophy type 2Q (LGMDR17). Also called: MUSCULAR DYSTROPHY, LIMB-GIRDLE, AUTOSOMAL RECESSIVE 17. Identifiers: Orphanet 254361, MedGen C3150989, MONDO:0013390, OMIM 613723.
Epidermolysis bullosa simplex, Ogna type (EBS5A). Also called: Pidermolysis bullosa simplex 5A, Ogna type; EPIDERMOLYSIS BULLOSA SIMPLEX 5A, OGNA TYPE. Identifiers: Orphanet 79401, MedGen C0432317, MONDO:0007555, OMIM 131950.
Epidermolysis bullosa simplex 5B, with muscular dystrophy (EBS5B). Also called: EPIDERMOLYSIS BULLOSA SIMPLEX AND LIMB-GIRDLE MUSCULAR DYSTROPHY; Epidermolysis bullosa simplex with muscular dystrophy. Identifiers: Orphanet 257, MedGen C2931072, MONDO:0009181, OMIM 226670.
Inborn genetic diseases. Identifiers: MedGen C0950123, MeSH D030342.

Allele frequency attached by ClinVar (database versions not stated): gnomAD exomes 0.00011; ExAC 0.00013; gnomAD 0.00035 and 0.00040; TOPMed 0.00037.
gnomAD v4.1: 111 of 1,586,354 alleles (0.007%); highest among the groups gnomAD compares: African/African-American, 0.12%; no homozygotes.

Submissions (8):

Labcorp Genetics (formerly Invitae), Labcorp
Classification: Uncertain significance for Autosomal recessive limb-girdle muscular dystrophy type 2Q; Epidermolysis bullosa simplex, Ogna type; Epidermolysis bullosa simplex with nail dystrophy; Epidermolysis bullosa simplex 5C, with pyloric atresia; Epidermolysis bullosa simplex 5B, with muscular dystrophy. Last evaluated: 2025-11-01. Review status: criteria provided, single submitter. Criteria: Invitae Variant Classification Sherloc (09022015). Collection method: clinical testing. Allele origin: germline.
Comment: This sequence change replaces arginine, which is basic and polar, with glutamine, which is neutral and polar, at codon 1205 of the PLEC protein (p.Arg1205Gln). This variant is present in population databases (rs782590380, gnomAD 0.1%). This variant has not been reported in the literature in individuals affected with PLEC-related conditions. ClinVar contains an entry for this variant (Variation ID: 290467). Invitae Evidence Modeling of protein sequence and biophysical properties (such as structural, functional, and spatial information, amino acid conservation, physicochemical variation, residue mobility, and thermodynamic stability) indicates that this missense variant is not expected to disrupt PLEC protein function with a negative predictive value of 80%. In summary, the available evidence is currently insufficient to determine the role of this variant in disease. Therefore, it has been classified as a Variant of Uncertain Significance.

PreventionGenetics, part of Exact Sciences
Classification: Uncertain significance for PLEC-related condition. Last evaluated: 2025-09-18. Review status: criteria provided, single submitter. Criteria: ACMG Guidelines, 2015. Collection method: clinical testing. Allele origin: germline.
Comment: The PLEC c.3614G>A variant is predicted to result in the amino acid substitution p.Arg1205Gln. To our knowledge, this variant has not been reported in the literature. This variant is reported in 0.15% of alleles in individuals of African descent in gnomAD. Although we suspect that this variant may be benign, at this time, the clinical significance of this variant is uncertain due to the absence of conclusive functional and genetic evidence.

Women's Health and Genetics/Laboratory Corporation of America, LabCorp
Classification: Uncertain significance. Last evaluated: 2025-06-18. Review status: criteria provided, single submitter. Criteria: LabCorp Variant Classification Summary - May 2015. Collection method: clinical testing. Allele origin: germline.
Comment: Variant summary: PLEC c.3614G>A (p.Arg1205Gln) results in a conservative amino acid change in the encoded protein sequence. Algorithms developed to predict the effect of missense changes on protein structure and function are either unavailable or do not agree on the potential impact of this missense change. The variant allele was found at a frequency of 0.00011 in 204402 control chromosomes. This frequency is not significantly higher than estimated for a pathogenic variant in PLEC causing Epidermolysis bullosa simplex 5C, with pyloric atresia (0.00011 vs 0.0061), allowing no conclusion about variant significance. To our knowledge, no occurrence of c.3614G>A in individuals affected with Epidermolysis bullosa simplex 5C, with pyloric atresia and no experimental evidence demonstrating its impact on protein function have been reported. ClinVar contains an entry for this variant (Variation ID: 290467). Based on the evidence outlined above, the variant was classified as uncertain significance.

Mayo Clinic Laboratories, Mayo Clinic
Classification: Likely benign. Last evaluated: 2025-05-23. Review status: criteria provided, single submitter. Criteria: ACMG Guidelines, 2015. Collection method: clinical testing. Allele origin: germline. Observed: 1 variant allele.
Comment: BS1, BP4_moderate

Ambry Genetics
Classification: Uncertain significance for Inborn genetic diseases. Last evaluated: 2024-09-03. Review status: criteria provided, single submitter. Criteria: Ambry Variant Classification Scheme 2023. Collection method: clinical testing. Allele origin: germline.

Revvity Omics, Revvity
Classification: Uncertain significance. Last evaluated: 2024-04-03. Review status: criteria provided, single submitter. Criteria: ACMG Guidelines, 2015. Collection method: clinical testing. Allele origin: germline.

Athena Diagnostics
Classification: Likely benign. Last evaluated: 2023-12-08. Review status: criteria provided, single submitter. Criteria: Athena Diagnostics Criteria. Collection method: clinical testing. Allele origin: unknown.

Eurofins Ntd Llc (ga)
Classification: Uncertain significance. Last evaluated: 2017-12-07. Review status: criteria provided, single submitter. Criteria: EGL Classification Definitions 2015. Collection method: clinical testing. Allele origin: germline. Observed: 2 variant alleles, 2 heterozygotes.